The following is an entry in ClinVar:

ClinVar aggregate classification (germline): Pathogenic. Review status: reviewed by expert panel (3 of 4 stars). 4 submissions from 4 submitters: Pathogenic (1). 3 of the submissions do not count toward it. Last evaluated 2017-12-15.

Conditions:
Hereditary breast ovarian cancer syndrome. Also called: Breast and ovarian cancer; Hereditary breast and ovarian cancer; Hereditary breast and ovarian cancer syndrome; Hereditary breast and/or ovarian cancer syndrome; BRCA1- and BRCA2-Associated Hereditary Breast and Ovarian Cancer; Hereditary breast and ovarian cancer syndrome (HBOC). Identifiers: Orphanet 145, MedGen C0677776, MeSH D061325, MONDO:0003582. Disease mechanism: loss of function.
Breast-ovarian cancer, familial, susceptibility to, 1 (BROVCA1). Also called: BRCA1 Hereditary Breast and Ovarian Cancer; OVARIAN CANCER, SUSCEPTIBILITY TO. Identifiers: Orphanet 145, MedGen C2676676, MONDO:0011450, OMIM 604370. Disease mechanism: loss of function.
Hereditary cancer-predisposing syndrome. Also called: Tumor predisposition; Hereditary Cancer Syndrome; Neoplastic Syndromes, Hereditary; Hereditary neoplastic syndrome. Identifiers: Orphanet 140162, MedGen C0027672, MeSH D009386, MONDO:0015356.

Submissions (4):

Evidence-based Network for the Interpretation of Germline Mutant Alleles (ENIGMA)
Classification: Pathogenic for Breast-ovarian cancer, familial, susceptibility to, 1. Last evaluated: 2017-12-15. Review status: reviewed by expert panel. Criteria: ENIGMA BRCA1/2 Classification Criteria (2017-06-29). Collection method: curation. Allele origin: germline. Study: ENIGMA.
Comment: Variant allele predicted to encode a truncated non-functional protein.

Labcorp Genetics (formerly Invitae), Labcorp
Classification: Pathogenic for Hereditary breast ovarian cancer syndrome. Last evaluated: 2024-01-09. Review status: criteria provided, single submitter. Criteria: Invitae Variant Classification Sherloc (09022015). Collection method: clinical testing. Allele origin: germline. Not counted in ClinVar's aggregate classification.
Comment: This sequence change creates a premature translational stop signal (p.Val788Leufs*4) in the BRCA1 gene. It is expected to result in an absent or disrupted protein product. Loss-of-function variants in BRCA1 are known to be pathogenic (PMID: 20104584). This variant is not present in population databases (gnomAD no frequency). This premature translational stop signal has been observed in individual(s) with breast and/or ovarian cancer (PMID: 28888541, 29470806, 30555256). ClinVar contains an entry for this variant (Variation ID: 231402). For these reasons, this variant has been classified as Pathogenic.

Ambry Genetics
Classification: Pathogenic for Hereditary cancer-predisposing syndrome. Last evaluated: 2023-05-19. Review status: criteria provided, single submitter. Criteria: Ambry Variant Classification Scheme 2023. Collection method: clinical testing. Allele origin: germline. Not counted in ClinVar's aggregate classification.
Comment: The c.2362delG pathogenic mutation, located in coding exon 9 of the BRCA1 gene, results from a deletion of one nucleotide at nucleotide position 2362, causing a translational frameshift with a predicted alternate stop codon (p.V788Lfs*4). This alteration is expected to result in loss of function by premature protein truncation or nonsense-mediated mRNA decay. As such, this alteration is interpreted as a disease-causing mutation.

Color Diagnostics, LLC DBA Color Health
Classification: Pathogenic for Hereditary cancer-predisposing syndrome. Last evaluated: 2019-08-12. Review status: criteria provided, single submitter. Criteria: ACMG Guidelines, 2015. Collection method: clinical testing. Allele origin: germline. Not counted in ClinVar's aggregate classification.
Comment: This variant deletes 1 nucleotide in exon 10 of the BRCA1 gene, creating a frameshift and premature translation stop signal. This variant is expected to result in an absent or non-functional protein product. Computational splicing tools suggest that this variant may not impact RNA splicing. To our knowledge, functional assays have not been performed for this variant nor has this variant been reported in individuals affected with hereditary cancer in the literature. This variant has not been identified in the general population by the Genome Aggregation Database (gnomAD). Loss of BRCA1 function is a known mechanism of disease. Based on available evidence, this variant is classified as Pathogenic.

Literature cited by the submitters: PubMed 20104584 (cited by Labcorp Genetics (formerly Invitae), Labcorp); PubMed 28888541 (cited by Labcorp Genetics (formerly Invitae), Labcorp); PubMed 29470806 (cited by Labcorp Genetics (formerly Invitae), Labcorp); PubMed 30555256 (cited by Labcorp Genetics (formerly Invitae), Labcorp).

NM_007294.4(BRCA1):c.2362del (p.Val788fs)

Gene: BRCA1 (BRCA1 DNA repair associated; minus strand). Cytogenetic location: 17q21.31.
Variant type: Deletion.
Coding change: c.2362del on transcript NM_007294.4 (MANE Select); coding-DNA position 2362, one base deleted (G; older notation c.2362delG).
Protein change: p.Val788fs; shifts the reading frame from valine 788.
Molecular consequence: frameshift variant. On other transcripts: intron variant (137).
Genome position (GRCh38, 1-based): chr17:43,093,169, C deleted on the plus strand (G on the coding strand, the reverse complement: BRCA1 is on the minus strand). VCF-style (leftmost placement, unchanged base first): chr17-43093168-AC-A. GRCh37 (hg19) VCF-style: chr17-41245185-AC-A.
Other names: c.577+1575del (NM_001408482.1, NM_001408484.1, NM_001408478.1 and 9 more transcripts); c.520+1575del (NM_001408504.1, NM_001408503.1, NM_001408505.1); c.643+1575del (NM_001408463.1, NM_001408462.1, NM_001408470.1 and 3 more transcripts); c.523+1575del (NM_001408499.1, NM_001408498.1, NM_001408501.1 and 3 more transcripts); c.671-2137del (NM_001408422.1, NM_001408418.1, NM_001408423.1 and 2 more transcripts); c.706+1575del (NM_001408416.1, NM_001408413.1); c.661+1575del (NM_001408450.1, NM_001408434.1, NM_001408447.1 and 6 more transcripts); c.784+1575del (NM_001408398.1, NM_001407992.1, NM_001408400.1 and 13 more transcripts); and 42 more; short protein forms V741fs, V788fs, V661fs, V720fs, V740fs, V787fs, V660fs, V717fs.
Identifiers: ClinVar variation 231402 (VCV000231402.14), dbSNP rs876659136, ClinGen allele CA10580621.
Genomic context (GRCh38, chr17:43,093,168, plus strand): 5'-AATGCTGCACACTGACTCACACATTTATTTGGTTCTGTTTTTGCCTTCCCTAGAGTGCTA[AC>A]TTCCAGTAACGAGATACTTTCCTGAGTGCCATAATCAGTACCAGGTACCAATGAAATACT-3'